The following is an entry in ClinVar:

NM_021728.4(OTX2):c.632C>A (p.Ser211Ter)

Gene: OTX2 (orthodenticle homeobox 2; minus strand). Cytogenetic location: 14q22.3.
Variant type: single nucleotide variant.
Coding change: c.632C>A on transcript NM_021728.4 (MANE Select); coding-DNA position 632, C replaced by A.
Protein change: p.Ser211Ter; replaces serine 211 with a stop codon.
Molecular consequence: nonsense. On other transcripts: non-coding transcript variant (2).
Genome position (GRCh38, 1-based): chr14:56,801,997, G>T on the plus strand (C>A on the coding strand, the complement: OTX2 is on the minus strand). VCF-style: chr14-56801997-G-T. GRCh37 (hg19) VCF-style: chr14-57268715-G-T.
Other names: c.608C>A, p.Ser203Ter (NM_001270523.2, NM_001270524.2, NM_172337.3); c.632C>A, p.Ser211Ter (NM_001270525.2); short protein forms S203*, S211*.
Identifiers: ClinVar variation 945360 (VCV000945360.9), dbSNP rs1891900408, ClinGen allele CA390051448.
Genomic context (GRCh38, chr14:56,801,997, plus strand): 5'-CCCATGGGACTGAGTGTGGCCCCTGGTCCGGGAAGCTGGTGATGCATAGGGGTCAAATAT[G>T]ATCCACAGTCCATGCCCCCAAAGTAGGAAGTTGAGCCAGCATATCCTTGACTATAACCTG-3'

ClinVar aggregate classification (germline): Pathogenic/Likely pathogenic. Review status: criteria provided, multiple submitters, no conflicts (2 of 4 stars). 2 submissions from 2 submitters: Pathogenic (1); Likely pathogenic (1). Last evaluated 2023-10-03.

Conditions:
Anophthalmia-microphthalmia syndrome. Also called: Anophthalmia - microphthalmia; Anophthalmia/Microphthalmia. Identifiers: Orphanet 98555, MedGen C5680330, MONDO:0020147.
OTX2-related disorder. Also called: OTX2-related disorders; OTX2-related condition.

Submissions (2):

Labcorp Genetics (formerly Invitae), Labcorp
Classification: Pathogenic for Anophthalmia-microphthalmia syndrome. Last evaluated: 2023-10-03. Review status: criteria provided, single submitter. Criteria: Invitae Variant Classification Sherloc (09022015). Collection method: clinical testing. Allele origin: germline.
Comment: This sequence change creates a premature translational stop signal (p.Ser203*) in the OTX2 gene. While this is not anticipated to result in nonsense mediated decay, it is expected to disrupt the last 87 amino acid(s) of the OTX2 protein. This variant is not present in population databases (gnomAD no frequency). This variant has not been reported in the literature in individuals affected with OTX2-related conditions. ClinVar contains an entry for this variant (Variation ID: 945360). This variant disrupts a region of the OTX2 protein in which other variant(s) (p.Ala236Ser) have been determined to be pathogenic (Invitae). This suggests that this is a clinically significant region of the protein, and that variants that disrupt it are likely to be disease-causing. For these reasons, this variant has been classified as Pathogenic.

Blueprint Genetics
Classification: Likely pathogenic for OTX2-related disorders. Last evaluated: 2021-11-23. Review status: criteria provided, single submitter. Criteria: ACMG Guidelines, 2015. Collection method: clinical testing. Allele origin: germline. Affected: yes. Observed: 1 variant allele.